The following is an entry in ClinVar:

NM_001370100.5(ZMYND11):c.1786C>T (p.Arg596Cys)

Gene: ZMYND11 (zinc finger MYND-type containing 11; plus strand). Cytogenetic location: 10p15.3.
Variant type: single nucleotide variant.
Coding change: c.1786C>T on transcript NM_001370100.5 (MANE Select); coding-DNA position 1786, C replaced by T.
Protein change: p.Arg596Cys; replaces arginine 596 with cysteine.
Molecular consequence: missense variant. On other transcripts: non-coding transcript variant (1).
Genome position (GRCh38, 1-based): chr10:252,447, C>T. VCF-style: chr10-252447-C-T. GRCh37 (hg19) VCF-style: chr10-298387-C-T.
Other names: c.1624C>T, p.Arg542Cys (NM_001202464.3, NM_001370103.2, NM_001370104.2 and 5 more transcripts); c.1531C>T, p.Arg511Cys (NM_001202465.3, NM_001370110.2); c.1621C>T, p.Arg541Cys (NM_001202466.3, NM_001370111.2); c.1735C>T, p.Arg579Cys (NM_001330057.3, NM_001370112.2); c.1786C>T, p.Arg596Cys (NM_001370097.3, NM_001370098.2, NM_001370099.2 and 3 more transcripts); c.1693C>T, p.Arg565Cys (NM_001370113.2, NM_001370114.2); c.1783C>T, p.Arg595Cys (NM_001370115.2); c.1720C>T, p.Arg574Cys (NM_001370116.2); and 8 more; short protein forms R439C, R477C, R494C, R502C, R511C, R520C, R541C, R542C.
Identifiers: ClinVar variation 3903309 (VCV003903309.1).

ClinVar aggregate classification (germline): Uncertain significance (1 of 4 stars; one submission).

Submission:

GeneDx
Classification: Uncertain significance. Last evaluated: 2024-11-30. Review status: criteria provided, single submitter. Criteria: GeneDx Variant Classification Process June 2021. Collection method: clinical testing. Allele origin: germline. Affected: yes.
Comment: Not observed at significant frequency in large population cohorts (gnomAD); In silico analysis supports that this missense variant has a deleterious effect on protein structure/function; Has not been previously published as pathogenic or benign to our knowledge